The following is an entry in ClinVar:

NM_004275.5(MED20):c.253C>T (p.Leu85Phe)

Genes: BYSL (bystin like; plus strand), MED20 (mediator complex subunit 20; minus strand). Cytogenetic location: 6p21.1.
Variant type: single nucleotide variant.
Coding change: c.253C>T on transcript NM_004275.5 (MANE Select); coding-DNA position 253, C replaced by T.
Protein change: p.Leu85Phe; replaces leucine 85 with phenylalanine.
Molecular consequence: missense variant.
Genome position (GRCh38, 1-based): chr6:41,909,439, G>A on the plus strand (C>T on the coding strand, the complement: MED20 is on the minus strand). VCF-style: chr6-41909439-G-A. GRCh37 (hg19) VCF-style: chr6-41877177-G-A.
Other names: c.67C>T, p.Leu23Phe (NM_001305455.2, NM_001305456.2); c.253C>T, p.Leu85Phe (NM_001305457.2); short protein forms L85F, L23F.
Identifiers: ClinVar variation 432783 (VCV000432783.2), dbSNP rs759721745, ClinGen allele CA3803611.

ClinVar aggregate classification (germline): Uncertain significance (1 of 4 stars; one submission).

Allele frequency attached by ClinVar (database versions not stated): gnomAD exomes below 0.00001; ExAC 0.00001; gnomAD 0.00001; TOPMed 0.00001.
gnomAD v4.1: 1 of 1,614,232 alleles (0.000062%); highest among the groups gnomAD compares: African/African-American, 0.0013%; no homozygotes.

Submission:

GeneDx
Classification: Uncertain significance. Last evaluated: 2017-06-19. Review status: criteria provided, single submitter. Criteria: GeneDx Variant Classification (06012015). Collection method: clinical testing. Allele origin: germline. Affected: yes.
Comment: The L85F variant in the MED20 gene has not been reported previously as a pathogenic variant, nor as a benign variant, to our knowledge. The L85F variant is not observed at a significant frequency in large population cohorts (Lek et al., 2016; 1000 Genomes Consortium et al., 2015; Exome Variant Server). The L85F variant is a conservative amino acid substitution, which is not likely to impact secondary protein structure as these residues share similar properties. This substitution occurs at a position that is conserved across species. In silico analysis predicts this variant is probably damaging to the protein structure/function. We interpret L85F as a variant of uncertain significance.